The following is an entry in ClinVar:

ClinVar aggregate classification (germline): Uncertain significance. Review status: criteria provided, multiple submitters, no conflicts (2 of 4 stars). 2 submissions from 2 submitters: Uncertain significance (2). Last evaluated 2026-08-03.

Conditions:
Inborn genetic diseases. Identifiers: MedGen C0950123, MeSH D030342.

Submissions (2):

Ambry Genetics
Classification: Uncertain significance for Inborn genetic diseases. Last evaluated: 2026-08-03. Review status: criteria provided, single submitter. Criteria: Ambry Variant Classification Scheme 2023. Collection method: clinical testing. Allele origin: germline.
Comment: The c.814G>T (p.V272F) alteration is located in exon 2 (coding exon 2) of the HOXD13 gene. This alteration results from a G to T substitution at nucleotide position 814, causing the valine (V) at amino acid position 272 to be replaced by a phenylalanine (F). Based on data from gnomAD, the T allele has an overall frequency of <0.001% (1/251458) total alleles studied. The highest observed frequency was 0.003% (1/34588) of Latino alleles. Based on insufficient or conflicting evidence, the clinical significance of this alteration remains unclear.

Labcorp Genetics (formerly Invitae), Labcorp
Classification: Uncertain significance. Last evaluated: 2024-11-01. Review status: criteria provided, single submitter. Criteria: Invitae Variant Classification Sherloc (09022015). Collection method: clinical testing. Allele origin: germline.
Comment: This sequence change replaces valine, which is neutral and non-polar, with phenylalanine, which is neutral and non-polar, at codon 272 of the HOXD13 protein (p.Val272Phe). This variant is present in population databases (rs138630870, gnomAD 0.003%). This variant has not been reported in the literature in individuals affected with HOXD13-related conditions. Invitae Evidence Modeling of protein sequence and biophysical properties (such as structural, functional, and spatial information, amino acid conservation, physicochemical variation, residue mobility, and thermodynamic stability) indicates that this missense variant is not expected to disrupt HOXD13 protein function with a negative predictive value of 80%. In summary, the available evidence is currently insufficient to determine the role of this variant in disease. Therefore, it has been classified as a Variant of Uncertain Significance.

NM_000523.4(HOXD13):c.814G>T (p.Val272Phe)

Gene: HOXD13 (homeobox D13; plus strand). Cytogenetic location: 2q31.1.
Variant type: single nucleotide variant.
Coding change: c.814G>T on transcript NM_000523.4 (MANE Select); coding-DNA position 814, G replaced by T.
Protein change: p.Val272Phe; replaces valine 272 with phenylalanine.
Molecular consequence: missense variant.
Genome position (GRCh38, 1-based): chr2:176,094,512, G>T. VCF-style: chr2-176094512-G-T. GRCh37 (hg19) VCF-style: chr2-176959240-G-T.
Other names: c.814G>T (NM_000523.3); short protein forms V272F.
Identifiers: ClinVar variation 3719695 (VCV003719695.3).